The following is an entry in ClinVar:

ClinVar aggregate classification (germline): Uncertain significance (1 of 4 stars; one submission).

Conditions:
Hereditary cancer-predisposing syndrome. Also called: Tumor predisposition; Neoplastic Syndromes, Hereditary; Hereditary neoplastic syndrome; Hereditary Cancer Syndrome. Identifiers: Orphanet 140162, MedGen C0027672, MeSH D009386, MONDO:0015356.

Submission:

Ambry Genetics
Classification: Uncertain significance for Hereditary cancer-predisposing syndrome. Last evaluated: 2025-06-16. Review status: criteria provided, single submitter. Criteria: Ambry Variant Classification Scheme 2023. Collection method: clinical testing. Allele origin: germline.
Comment: The p.I452T variant (also known as c.1355T>C), located in coding exon 2 of the MET gene, results from a T to C substitution at nucleotide position 1355. The isoleucine at codon 452 is replaced by threonine, an amino acid with similar properties. This amino acid position is conserved. In addition, the in silico prediction for this alteration is inconclusive. Based on the available evidence, the clinical significance of this variant remains unclear.

NM_000245.4(MET):c.1355T>C (p.Ile452Thr)

Gene: MET (MET proto-oncogene, receptor tyrosine kinase; plus strand). Cytogenetic location: 7q31.2.
Variant type: single nucleotide variant.
Coding change: c.1355T>C on transcript NM_000245.4 (MANE Select); coding-DNA position 1355, T replaced by C.
Protein change: p.Ile452Thr; replaces isoleucine 452 with threonine.
Molecular consequence: missense variant.
Genome position (GRCh38, 1-based): chr7:116,731,822, T>C. VCF-style: chr7-116731822-T-C. GRCh37 (hg19) VCF-style: chr7-116371876-T-C.
Other names: c.1355T>C, p.Ile452Thr (NM_001127500.3, NM_001324401.3); c.65T>C, p.Ile22Thr (NM_001324402.2); short protein forms I452T, I22T.
Identifiers: ClinVar variation 4106734 (VCV004106734.1).